The following is an entry in ClinVar:

NC_000023.10:g.(?_32827600)_(33038327_?)dup

Gene: DMD (dystrophin; minus strand). Cytogenetic location: Xp21.1.
Variant type: Duplication.
Identifiers: ClinVar variation 649074 (VCV000649074.1).

ClinVar aggregate classification (germline): Pathogenic (1 of 4 stars; one submission).

Conditions:
Duchenne muscular dystrophy (DMD). Also called: MUSCULAR DYSTROPHY, PSEUDOHYPERTROPHIC PROGRESSIVE, DUCHENNE TYPE; Duchenne Muscular Dystrophy (DMD). Identifiers: Orphanet 98896, MedGen C0013264, MONDO:0010679, OMIM 310200.

Submission:

Labcorp Genetics (formerly Invitae), Labcorp
Classification: Pathogenic for Duchenne muscular dystrophy. Last evaluated: 2018-10-01. Review status: criteria provided, single submitter. Criteria: Invitae Variant Classification Sherloc (09022015). Collection method: clinical testing. Allele origin: germline.
Comment: This variant is a gross duplication of the genomic region encompassing exons 2-7 of the DMD gene. While the exact position of the duplicated exons cannot be determined from this data, the duplicated copy of this region is likely in tandem and in-frame, therefore preserving the integrity of the reading frame. Duplications encompassing the same exons have been reported in the literature in individuals affected with muscular dystrophy (PMID: 2063877, 18752307, 26911353, 16917894, 8034300). Â¬â€ Additionally, a similar duplication was reported to segregate with disease in a family affected with Becker muscular dystrophy (PMID: 2316519) and in a family affected with cardiomyopathy (PMID: 9441825). For these reasons, this variant has been classified as Pathogenic.

Literature cited by the submitters: PubMed 26911353; PubMed 16917894; PubMed 18752307; PubMed 2316519; PubMed 9441825; PubMed 2063877; PubMed 8034300.